The following is an entry in ClinVar:

ClinVar aggregate classification (germline): Likely benign. Review status: criteria provided, multiple submitters, no conflicts (2 of 4 stars). 2 submissions from 2 submitters: Likely benign (2). Last evaluated 2025-01-31.

Conditions:
Weaver syndrome (WVS). Also called: Weaver Smith syndrome; Overgrowth syndrome with accelerated skeletal maturation, unusual facies, and camptodactyly. Identifiers: Orphanet 3447, MedGen C0265210, MONDO:0010193, OMIM 277590.

Allele frequency attached by ClinVar (database versions not stated): gnomAD 0.00001; TOPMed 0.00002; ExAC 0.00003.
gnomAD v4.1: 7 of 1,612,118 alleles (0.00043%); highest among the groups gnomAD compares: Non-Finnish European, 0.00059%; no homozygotes.

Submissions (2):

Labcorp Genetics (formerly Invitae), Labcorp
Classification: Likely benign for Weaver syndrome. Last evaluated: 2025-01-31. Review status: criteria provided, single submitter. Criteria: Invitae Variant Classification Sherloc (09022015). Collection method: clinical testing. Allele origin: germline.

GeneDx
Classification: Likely benign. Last evaluated: 2018-01-23. Review status: criteria provided, single submitter. Criteria: GeneDx Variant Classification (06012015). Collection method: clinical testing. Allele origin: germline. Affected: yes.
Comment: This variant is considered likely benign or benign based on one or more of the following criteria: it is a conservative change, it occurs at a poorly conserved position in the protein, it is predicted to be benign by multiple in silico algorithms, and/or has population frequency not consistent with disease.

NM_004456.5(EZH2):c.1245A>C (p.Ala415=)

Gene: EZH2 (enhancer of zeste 2 polycomb repressive complex 2 subunit; minus strand). Cytogenetic location: 7q36.1.
Variant type: single nucleotide variant.
Coding change: c.1245A>C on transcript NM_004456.5 (MANE Select); coding-DNA position 1245, A replaced by C.
Protein change: p.Ala415=; no amino-acid change (alanine 415 retained).
Molecular consequence: synonymous variant.
Genome position (GRCh38, 1-based): chr7:148,817,387, T>G on the plus strand (A>C on the coding strand, the complement: EZH2 is on the minus strand). VCF-style: chr7-148817387-T-G. GRCh37 (hg19) VCF-style: chr7-148514479-T-G.
Other names: c.1230A>C, p.Ala410= (NM_001203247.2); c.1203A>C, p.Ala401= (NM_001203248.2, NM_001203249.2); c.1113A>C, p.Ala371= (NM_152998.3).
Identifiers: ClinVar variation 514941 (VCV000514941.10), dbSNP rs764010885, ClinGen allele CA4547911.